The following is an entry in ClinVar:

NM_000551.4(VHL):c.506_507del (p.Leu169fs)

Genes: VHL (von Hippel-Lindau tumor suppressor; plus strand), LOC107303340 (3p25 von Hippel-Lindau tumor suppressor, E3 ubiquitin protein ligase Alu-mediated recombination region; plus strand). Cytogenetic location: 3p25.3.
Variant type: Deletion.
Coding change: c.506_507del on transcript NM_000551.4 (MANE Select); coding-DNA positions 506 to 507, 2 bases deleted (TA; older notation c.506_507delTA).
Protein change: p.Leu169fs; shifts the reading frame from leucine 169.
Molecular consequence: frameshift variant. On other transcripts: 3 prime UTR variant (1), non-coding transcript variant (1).
Genome position (GRCh38, 1-based): chr3:10,149,829-10,149,830, TA deleted. VCF-style (leftmost placement, unchanged base first): chr3-10149828-CTA-C. GRCh37 (hg19) VCF-style: chr3-10191512-CTA-C.
Other names: c.*60_*61del (NM_001354723.2); c.383_384del, p.Leu128fs (NM_198156.3); short protein forms L128fs, L169fs.
Identifiers: ClinVar variation 5031697 (VCV005031697.1).

ClinVar aggregate classification (germline): Pathogenic (1 of 4 stars; one submission).

Conditions:
Hereditary cancer-predisposing syndrome. Also called: Neoplastic Syndromes, Hereditary; Tumor predisposition; Hereditary neoplastic syndrome; Hereditary Cancer Syndrome. Identifiers: Orphanet 140162, MedGen C0027672, MeSH D009386, MONDO:0015356.

Submission:

Ambry Genetics
Classification: Pathogenic for Hereditary cancer-predisposing syndrome. Last evaluated: 2026-06-25. Review status: criteria provided, single submitter. Criteria: Ambry Variant Classification Scheme 2023. Collection method: clinical testing. Allele origin: germline.
Comment: The c.506_507delTA pathogenic mutation, located in coding exon 3 of the VHL gene, results from a deletion of two nucleotides at nucleotide positions 506 to 507, causing a translational frameshift with a predicted alternate stop codon (p.L169Rfs*4). This variant occurs at the 3' terminus of the gene, is not expected to trigger nonsense-mediated mRNA decay, and impacts the last 21% of the protein. However, premature stop codons are typically deleterious in nature and the impacted region is critical for protein function (Ambry internal data). This variant was reported in individual(s) with features consistent with von Hippel-Lindau syndrome (Ambry internal data). This variant is considered to be rare based on population cohorts in the Genome Aggregation Database (gnomAD). Based on the supporting evidence, this variant is interpreted as a disease-causing mutation.